The following is an entry in ClinVar:

NM_024757.5(EHMT1):c.3670A>G (p.Ile1224Val)

Gene: EHMT1 (euchromatic histone lysine methyltransferase 1; plus strand). Cytogenetic location: 9q34.3.
Variant type: single nucleotide variant.
Coding change: c.3670A>G on transcript NM_024757.5 (MANE Select); coding-DNA position 3670, A replaced by G.
Protein change: p.Ile1224Val; replaces isoleucine 1224 with valine.
Molecular consequence: missense variant.
Genome position (GRCh38, 1-based): chr9:137,834,478, A>G. VCF-style: chr9-137834478-A-G. GRCh37 (hg19) VCF-style: chr9-140728930-A-G.
Other names: c.3649A>G, p.Ile1217Val (NM_001354263.2); short protein forms I1217V, I1224V.
Identifiers: ClinVar variation 1482287 (VCV001482287.8), dbSNP rs892250040, ClinGen allele CA375781889.

ClinVar aggregate classification (germline): Uncertain significance (1 of 4 stars; one submission).

Conditions:
Kleefstra syndrome 1 (KLEFS1). Identifiers: Orphanet 261494, MedGen C0795833, MONDO:0027407, OMIM 610253.

gnomAD v4.1: 1 of 1,612,624 alleles (0.000062%); highest among the groups gnomAD compares: Non-Finnish European, 0.000085%; no homozygotes.

Submission:

Labcorp Genetics (formerly Invitae), Labcorp
Classification: Uncertain significance for Kleefstra syndrome 1. Last evaluated: 2021-02-18. Review status: criteria provided, single submitter. Criteria: Invitae Variant Classification Sherloc (09022015). Collection method: clinical testing. Allele origin: germline.
Comment: In summary, the available evidence is currently insufficient to determine the role of this variant in disease. Therefore, it has been classified as a Variant of Uncertain Significance. Algorithms developed to predict the effect of missense changes on protein structure and function output the following: SIFT: "Tolerated"; PolyPhen-2: "Benign"; Align-GVGD: "Class C0". The valine amino acid residue is found in multiple mammalian species, suggesting that this missense change does not adversely affect protein function. These predictions have not been confirmed by published functional studies and their clinical significance is uncertain. This variant has not been reported in the literature in individuals with EHMT1-related conditions. This variant is not present in population databases (ExAC no frequency). This sequence change replaces isoleucine with valine at codon 1224 of the EHMT1 protein (p.Ile1224Val). The isoleucine residue is highly conserved and there is a small physicochemical difference between isoleucine and valine.